The following is an entry in ClinVar:

ClinVar aggregate classification (germline): Pathogenic. Review status: criteria provided, multiple submitters, no conflicts (2 of 4 stars). 6 submissions from 4 submitters: Pathogenic (5). 1 of the submissions does not count toward it. Last evaluated 2023-04-11.

Conditions:
Pigmented paravenous retinochoroidal atrophy. Identifiers: Orphanet 251295, MedGen C1868310, MONDO:0008246, OMIM 172870.
Leber congenital amaurosis 8 (LCA8). Identifiers: Orphanet 65, MedGen C3151202, MONDO:0013453, OMIM 613835.
Retinitis pigmentosa 12 (RP12). Also called: RP WITH OR WITHOUT PPRPE; RP WITH OR WITHOUT PRESERVED PARAARTERIOLE RETINAL PIGMENT EPITHELIUM; RETINITIS PIGMENTOSA WITH OR WITHOUT PARAARTERIOLAR PRESERVATION OF RETINAL PIGMENT EPITHELIUM. Identifiers: Orphanet 791, MedGen C1838647, MONDO:0010818, OMIM 600105.
Autosomal recessive retinitis pigmentosa. Identifiers: MedGen C0339526.
CRB1-related disorder. Also called: CRB1-related condition; CRB1-related disorders.

Submissions (6):

Genome-Nilou Lab
Classification: Pathogenic for Leber congenital amaurosis 8. Last evaluated: 2023-04-11. Review status: criteria provided, single submitter. Criteria: ACMG Guidelines, 2015. Collection method: clinical testing. Allele origin: germline. Affected: no.

Genome-Nilou Lab
Classification: Pathogenic for Pigmented paravenous retinochoroidal atrophy. Last evaluated: 2023-04-11. Review status: criteria provided, single submitter. Criteria: ACMG Guidelines, 2015. Collection method: clinical testing. Allele origin: germline. Affected: no.

Genome-Nilou Lab
Classification: Pathogenic for Retinitis pigmentosa 12. Last evaluated: 2023-04-11. Review status: criteria provided, single submitter. Criteria: ACMG Guidelines, 2015. Collection method: clinical testing. Allele origin: germline. Affected: no.

Labcorp Genetics (formerly Invitae), Labcorp
Classification: Pathogenic for Leber congenital amaurosis 8; Retinitis pigmentosa 12. Last evaluated: 2022-09-27. Review status: criteria provided, single submitter. Criteria: Invitae Variant Classification Sherloc (09022015). Collection method: clinical testing. Allele origin: germline.
Comment: For these reasons, this variant has been classified as Pathogenic. ClinVar contains an entry for this variant (Variation ID: 867150). This premature translational stop signal has been observed in individual(s) with inherited retinal dystrophy (PMID: 23362850). In at least one individual the data is consistent with being in trans (on the opposite chromosome) from a pathogenic variant. It has also been observed to segregate with disease in related individuals. This variant is not present in population databases (gnomAD no frequency). This sequence change creates a premature translational stop signal (p.Cys591Serfs*29) in the CRB1 gene. It is expected to result in an absent or disrupted protein product. Loss-of-function variants in CRB1 are known to be pathogenic (PMID: 10508521, 22065545, 23379534, 25412400, 26957898, 28041643, 29391521).

Blueprint Genetics
Classification: Pathogenic for CRB1-related disorders. Last evaluated: 2019-05-09. Review status: criteria provided, single submitter. Criteria: ACMG Guidelines, 2015. Collection method: clinical testing. Allele origin: germline. Affected: yes. Observed: 2 variant alleles.

Faculty of Health Sciences, Beirut Arab University
Classification: Pathogenic for Autosomal recessive Retinitis Pigmentosa. Last evaluated: 2013-01-30. Review status: no assertion criteria provided. Collection method: literature only. Allele origin: germline. Affected: yes. Observed: 2 variant alleles. Not counted in ClinVar's aggregate classification.

Literature cited by the submitters: PubMed 23362850 (cited by Labcorp Genetics (formerly Invitae), Labcorp and Faculty of Health Sciences, Beirut Arab University); PubMed 10508521 (cited by Labcorp Genetics (formerly Invitae), Labcorp); PubMed 22065545 (cited by Labcorp Genetics (formerly Invitae), Labcorp); PubMed 23379534 (cited by Labcorp Genetics (formerly Invitae), Labcorp); PubMed 25412400 (cited by Labcorp Genetics (formerly Invitae), Labcorp); PubMed 26957898 (cited by Labcorp Genetics (formerly Invitae), Labcorp); PubMed 28041643 (cited by Labcorp Genetics (formerly Invitae), Labcorp); PubMed 29391521 (cited by Labcorp Genetics (formerly Invitae), Labcorp).

NM_201253.3(CRB1):c.1772_1775del (p.Cys591fs)

Gene: CRB1 (crumbs cell polarity complex component 1; plus strand). Cytogenetic location: 1q31.3.
Variant type: Deletion.
Coding change: c.1772_1775del on transcript NM_201253.3 (MANE Select); coding-DNA positions 1772 to 1775, 4 bases deleted (GCAT; older notation c.1772_1775delGCAT).
Protein change: p.Cys591fs; shifts the reading frame from cysteine 591.
Molecular consequence: frameshift variant. On other transcripts: non-coding transcript variant (1).
Genome position (GRCh38, 1-based): chr1:197,421,600-197,421,603, GCAT deleted; deleting any 4 consecutive bases within chr1:197,421,598-197,421,603 gives the same sequence; the c. name uses the placement nearest the transcript's 3' end. VCF-style (leftmost placement, unchanged base first): chr1-197421597-AATGC-A. GRCh37 (hg19) VCF-style: chr1-197390727-AATGC-A.
Other names: c.1436_1439del, p.Cys479fs (NM_001193640.2); c.1565_1568del, p.Cys522fs (NM_001257965.2); c.1772_1775del, p.Cys591fs (NM_001257966.2); short protein forms C522fs, C591fs, C479fs.
Identifiers: ClinVar variation 867150 (VCV000867150.12), dbSNP rs1664325377, ClinGen allele CA916082103.